The following is an entry in ClinVar:

ClinVar aggregate classification (germline): Pathogenic. Review status: criteria provided, multiple submitters, no conflicts (2 of 4 stars). 2 submissions from 2 submitters: Pathogenic (2). Last evaluated 2025-06-10.

Conditions:
DNAAF11-related disorder. Also called: DNAAF11-related condition.
Primary ciliary dyskinesia 19. Also called: CILIARY DYSKINESIA, PRIMARY, 19, WITH OR WITHOUT SITUS INVERSUS. Identifiers: Orphanet 244, MedGen C3543826, MONDO:0013979, OMIM 614935.

Submissions (2):

PreventionGenetics, part of Exact Sciences
Classification: Pathogenic for DNAAF11-related condition. Last evaluated: 2025-06-10. Review status: criteria provided, single submitter. Criteria: ACMG Guidelines, 2015. Collection method: clinical testing. Allele origin: germline.
Comment: The DNAAF11 c.64dupT variant is predicted to result in a frameshift and premature protein termination (p.Ser22Phefs*19). This variant has been reported in the homozygous or compound heterozygous state in individuals with Kartagener syndrome or primary ciliary dyskinesia (Yue et al. 2019. PubMed ID: 31507630; Li et al. 2022. PubMed ID: 36515799). This variant is reported in 0.0018% of alleles in individuals of European (Non-Finnish) descent in gnomAD. Frameshift variants in DNAAF11 are expected to be pathogenic. This variant is interpreted as pathogenic.

Labcorp Genetics (formerly Invitae), Labcorp
Classification: Pathogenic for Primary ciliary dyskinesia 19. Last evaluated: 2024-11-05. Review status: criteria provided, single submitter. Criteria: Invitae Variant Classification Sherloc (09022015). Collection method: clinical testing. Allele origin: germline.
Comment: This sequence change creates a premature translational stop signal (p.Ser22Phefs*19) in the LRRC6 gene. It is expected to result in an absent or disrupted protein product. Loss-of-function variants in LRRC6 are known to be pathogenic (PMID: 23122589). This variant is present in population databases (rs750425328, gnomAD 0.002%). This premature translational stop signal has been observed in individual(s) with LRRC6-related conditions (PMID: 36515799). For these reasons, this variant has been classified as Pathogenic.

Literature cited by the submitters: PubMed 23122589 (cited by Labcorp Genetics (formerly Invitae), Labcorp); PubMed 36515799 (cited by Labcorp Genetics (formerly Invitae), Labcorp).

NM_012472.6(DNAAF11):c.64dup (p.Ser22fs)

Gene: DNAAF11 (dynein axonemal assembly factor 11; minus strand). Cytogenetic location: 8q24.22.
Variant type: Duplication.
Coding change: c.64dup on transcript NM_012472.6 (MANE Select); coding-DNA position 64, one base duplicated (T; older notation c.64dupT).
Protein change: p.Ser22fs; shifts the reading frame from serine 22.
Molecular consequence: frameshift variant. On other transcripts: 5 prime UTR variant (4), non-coding transcript variant (7), intron variant (1).
Genome position (GRCh38, 1-based): chr8:132,661,574, A duplicated on the plus strand (T on the coding strand, the reverse complement: DNAAF11 is on the minus strand); the first of 6 consecutive A bases (chr8:132,661,574-132,661,579); duplicating any one gives the same sequence. VCF-style (leftmost placement, unchanged base first): chr8-132661573-G-GA. GRCh37 (hg19) VCF-style: chr8-133673819-G-GA.
Other names: c.64dup, p.Ser22fs (NM_001321961.2); c.-297dup (NM_001321963.2, NM_001321964.2, NM_001321966.2); c.-610dup (NM_001321965.2); c.10+13910dup (NM_001321962.2); c.64dupT (NM_012472.5); short protein forms S22fs.
Identifiers: ClinVar variation 3631750 (VCV003631750.3).
Genomic context (GRCh38, chr8:132,661,573, plus strand): 5'-CATTTATCAATGTGTTCTAGTCTTTCTATTTCTTGCTGATGCAACGAGAGTTCCTCCAGG[G>GA]AAAAAATGACACAGTCGTTGTGTTCAGCATTCCGTCTAATAAGATCTTCTGTGACTGGAA-3'